The following is an entry in ClinVar:

ClinVar aggregate classification (germline): Benign/Likely benign. Review status: criteria provided, multiple submitters, no conflicts (2 of 4 stars). 3 submissions from 3 submitters: Benign (1); Likely benign (1). 1 of the submissions does not count toward it. Last evaluated 2025-11-28.

Conditions:
GNMT-related disorder. Also called: GNMT-related condition.

Allele frequency attached by ClinVar (database versions not stated): gnomAD exomes 0.00038; ESP Exome Variant Server 0.00058; ExAC 0.00115; 1000 Genomes Project 0.00140; gnomAD 0.00151 and 0.00158; TOPMed 0.00170; 1000 Genomes Project 30x 0.00203.

Submissions (3):

Labcorp Genetics (formerly Invitae), Labcorp
Classification: Benign. Last evaluated: 2025-11-28. Review status: criteria provided, single submitter. Criteria: Invitae Variant Classification Sherloc (09022015). Collection method: clinical testing. Allele origin: germline.

Blueprint Genetics
Classification: Likely benign. Last evaluated: 2023-02-28. Review status: criteria provided, single submitter. Criteria: ACMG Guidelines, 2015. Collection method: clinical testing. Allele origin: germline.

PreventionGenetics, part of Exact Sciences
Classification: Likely benign for GNMT-related condition. Last evaluated: 2019-05-27. Review status: no assertion criteria provided. Collection method: clinical testing. Allele origin: germline. Not counted in ClinVar's aggregate classification.
Comment: This variant is classified as likely benign based on ACMG/AMP sequence variant interpretation guidelines (Richards et al. 2015 PMID: 25741868, with internal and published modifications).

NM_018960.6(GNMT):c.12C>T (p.Ser4=)

Genes: CNPY3-GNMT (CNPY3-GNMT readthrough; plus strand), GNMT (glycine N-methyltransferase; plus strand). Cytogenetic location: 6p21.1.
Variant type: single nucleotide variant.
Coding change: c.12C>T on transcript NM_018960.6 (MANE Select); coding-DNA position 12, C replaced by T.
Protein change: p.Ser4=; no amino-acid change (serine 4 retained).
Molecular consequence: synonymous variant. On other transcripts: non-coding transcript variant (1), intron variant (3).
Genome position (GRCh38, 1-based): chr6:42,960,779, C>T. VCF-style: chr6-42960779-C-T. GRCh37 (hg19) VCF-style: chr6-42928517-C-T.
Other names: c.12C>T, p.Ser4= (NM_001318865.2); c.9-1433C>T (NM_001318856.2); c.152-1983C>T (NM_001318857.2, NM_001318858.2).
Identifiers: ClinVar variation 1168628 (VCV001168628.10), dbSNP rs370044528, ClinGen allele CA3810571.
Genomic context (GRCh38, chr6:42,960,779, plus strand): 5'-TATGCTTTAAGTGCGGAGCGGGTGGCTGCGGAGCCAGGCGCGGCGCAGGATGGTGGACAG[C>T]GTGTACCGGACCCGCTCCCTGGGGGTGGCGGCCGAAGGGCTCCCGGACCAGTACGCGGAC-3'
Protein context (NP_061833.1, residues 1-14): MVD[Ser4=]VYRTRSLGVA